The following is an entry in ClinVar:

NM_004260.4(RECQL4):c.1109G>A (p.Arg370His)

Gene: RECQL4 (RecQ like helicase 4; minus strand). Cytogenetic location: 8q24.3.
Variant type: single nucleotide variant.
Coding change: c.1109G>A on transcript NM_004260.4 (MANE Select); coding-DNA position 1109, G replaced by A.
Protein change: p.Arg370His; replaces arginine 370 with histidine.
Molecular consequence: missense variant.
Genome position (GRCh38, 1-based): chr8:144,516,010, C>T on the plus strand (G>A on the coding strand, the complement: RECQL4 is on the minus strand). VCF-style: chr8-144516010-C-T. GRCh37 (hg19) VCF-style: chr8-145741394-C-T.
Other names: short protein forms R370H.
Identifiers: ClinVar variation 407034 (VCV000407034.10), dbSNP rs377494266, ClinGen allele CA4949067.

ClinVar aggregate classification (germline): Uncertain significance. Review status: criteria provided, single submitter (1 of 4 stars). 2 submissions from 2 submitters: Uncertain significance (1). 1 of the submissions does not count toward it. Last evaluated 2025-11-05.

Conditions:
RECQL4-related disorder. Also called: RECQL4-related condition; RECQL4-related disorders.
Baller-Gerold syndrome (BGS). Also called: CRANIOSYNOSTOSIS WITH RADIAL DEFECTS. Identifiers: Orphanet 1225, MedGen C0265308, MONDO:0009039, OMIM 218600.

Allele frequency attached by ClinVar (database versions not stated): ExAC 0.00003; gnomAD 0.00004 and 0.00005; gnomAD exomes 0.00004; TOPMed 0.00004; ESP Exome Variant Server 0.00008.
gnomAD v4.1: 43 of 1,609,776 alleles (0.0027%); highest among the groups gnomAD compares: South Asian, 0.018%; no homozygotes.

Submissions (2):

Labcorp Genetics (formerly Invitae), Labcorp
Classification: Uncertain significance for Baller-Gerold syndrome. Last evaluated: 2025-11-05. Review status: criteria provided, single submitter. Criteria: Invitae Variant Classification Sherloc (09022015). Collection method: clinical testing. Allele origin: germline.
Comment: This sequence change replaces arginine, which is basic and polar, with histidine, which is basic and polar, at codon 370 of the RECQL4 protein (p.Arg370His). This variant is present in population databases (rs377494266, gnomAD 0.02%). This variant has not been reported in the literature in individuals affected with RECQL4-related conditions. ClinVar contains an entry for this variant (Variation ID: 407034). Invitae Evidence Modeling of protein sequence and biophysical properties (such as structural, functional, and spatial information, amino acid conservation, physicochemical variation, residue mobility, and thermodynamic stability) indicates that this missense variant is expected to disrupt RECQL4 protein function with a positive predictive value of 80%. In summary, the available evidence is currently insufficient to determine the role of this variant in disease. Therefore, it has been classified as a Variant of Uncertain Significance.

PreventionGenetics, part of Exact Sciences
Classification: Uncertain significance for RECQL4-related condition. Last evaluated: 2023-12-06. Review status: no assertion criteria provided. Collection method: clinical testing. Allele origin: germline. Not counted in ClinVar's aggregate classification.
Comment: The RECQL4 c.1109G>A variant is predicted to result in the amino acid substitution p.Arg370His. To our knowledge, this variant has not been reported in the literature. This variant is reported in 0.016% of alleles in individuals of South Asian descent in gnomAD. At this time, the clinical significance of this variant is uncertain due to the absence of conclusive functional and genetic evidence.